The following is an entry in ClinVar:

NM_018139.3(DNAAF2):c.1286A>C (p.Glu429Ala)

Genes: DNAAF2 (dynein axonemal assembly factor 2; minus strand), LOC130055542 (ATAC-STARR-seq lymphoblastoid silent region 5699; plus strand). Cytogenetic location: 14q21.3.
Variant type: single nucleotide variant.
Coding change: c.1286A>C on transcript NM_018139.3 (MANE Select); coding-DNA position 1286, A replaced by C.
Protein change: p.Glu429Ala; replaces glutamic acid 429 with alanine.
Molecular consequence: missense variant. On other transcripts: 5 prime UTR variant (1).
Genome position (GRCh38, 1-based): chr14:49,633,864, T>G on the plus strand (A>C on the coding strand, the complement: DNAAF2 is on the minus strand). VCF-style: chr14-49633864-T-G. GRCh37 (hg19) VCF-style: chr14-50100582-T-G.
Other names: c.1286A>C, p.Glu429Ala (NM_001083908.2); c.-586A>C (NM_001378453.1); short protein forms E429A.
Identifiers: ClinVar variation 4241765 (VCV004241765.1).
Genomic context (GRCh38, chr14:49,633,864, plus strand): 5'-CCCGGCGGTGACCCCGCGTGCCTGCTCAAGTCCTGCTCCCCCGGCTTGGGGACACGCTCC[T>G]CTCCAGCTGCGGCCGGCGGAGGCGCCACCTCCGGGTCGCCCAGGGTGGTGACCCCGGAGC-3'
Protein context (NP_060609.2, residues 419-439): EVAPPPAAAG[Glu429Ala]ERVPKPGEQD

ClinVar aggregate classification (germline): Uncertain significance (1 of 4 stars; one submission).

Conditions:
Primary ciliary dyskinesia. Also called: Ciliary dyskinesia. Identifiers: Orphanet 244, MedGen C0008780, MONDO:0016575, HP:0012265.

gnomAD v4.1: 1 of 1,546,212 alleles (0.000065%); highest among the groups gnomAD compares: Admixed American, 0.0019%; no homozygotes.

Submission:

Ambry Genetics
Classification: Uncertain significance for Primary ciliary dyskinesia. Last evaluated: 2025-11-18. Review status: criteria provided, single submitter. Criteria: Ambry Variant Classification Scheme 2023. Collection method: clinical testing. Allele origin: germline.
Comment: The p.E429A variant (also known as c.1286A>C), located in coding exon 1 of the DNAAF2 gene, results from an A to C substitution at nucleotide position 1286. The glutamic acid at codon 429 is replaced by alanine, an amino acid with dissimilar properties. This amino acid position is conserved. In addition, this alteration is predicted to be tolerated by in silico analysis. Based on the available evidence, the clinical significance of this variant remains unclear.